The following is an entry in ClinVar:

NM_024675.4(PALB2):c.2594C>A (p.Ser865Ter)

Gene: PALB2 (partner and localizer of BRCA2; minus strand). Cytogenetic location: 16p12.2.
Variant type: single nucleotide variant.
Coding change: c.2594C>A on transcript NM_024675.4 (MANE Select); coding-DNA position 2594, C replaced by A.
Protein change: p.Ser865Ter; replaces serine 865 with a stop codon.
Molecular consequence: nonsense. On other transcripts: intron variant (3).
Genome position (GRCh38, 1-based): chr16:23,626,390, G>T on the plus strand (C>A on the coding strand, the complement: PALB2 is on the minus strand). VCF-style: chr16-23626390-G-T. GRCh37 (hg19) VCF-style: chr16-23637711-G-T.
Other names: c.1709C>A, p.Ser570Ter (NM_001407308.1, NM_001407309.1, NM_001407310.1 and 4 more transcripts); c.806C>A, p.Ser269Ter (NM_001407312.1, NM_001407313.1); c.128C>A, p.Ser43Ter (NM_001407314.1); c.2587-2296C>A (NM_001407302.1, NM_001407298.1); c.2534C>A, p.Ser845Ter (NM_001407296.1); c.2522C>A, p.Ser841Ter (NM_001407297.1); c.2594C>A, p.Ser865Ter (NM_001407299.1, NM_001407300.1, NM_001407301.1); c.1702-2296C>A (NM_001407307.1); short protein forms S269*, S43*, S570*, S841*, S845*, S865*.
Identifiers: ClinVar variation 5042084 (VCV005042084.1).

ClinVar aggregate classification (germline): Pathogenic (1 of 4 stars; one submission).

Conditions:
Familial cancer of breast. Also called: BREAST CANCER, FAMILIAL; Hereditary breast cancer; hereditary breast carcinoma. Identifiers: Orphanet 227535, MedGen C0346153, MONDO:0016419, OMIM 114480. Disease mechanism: loss of function.

Submission:

Myriad Genetics, Inc.
Classification: Pathogenic for Familial cancer of breast. Last evaluated: 2026-07-21. Review status: criteria provided, single submitter. Criteria: Myriad Autosomal Dominant, Autosomal Recessive and X-Linked Classification Criteria (2023). Collection method: clinical testing. Allele origin: unknown.
Comment: This variant is considered pathogenic. This variant creates a termination codon and is predicted to result in premature protein truncation.